The following is an entry in ClinVar:

NM_001369.3(DNAH5):c.8998C>T (p.Arg3000Ter)

Gene: DNAH5 (dynein axonemal heavy chain 5; minus strand). Cytogenetic location: 5p15.2.
Variant type: single nucleotide variant.
Coding change: c.8998C>T on transcript NM_001369.3 (MANE Select); coding-DNA position 8998, C replaced by T.
Protein change: p.Arg3000Ter; replaces arginine 3000 with a stop codon.
Molecular consequence: nonsense.
Genome position (GRCh38, 1-based): chr5:13,777,309, G>A on the plus strand (C>T on the coding strand, the complement: DNAH5 is on the minus strand). VCF-style: chr5-13777309-G-A. GRCh37 (hg19) VCF-style: chr5-13777418-G-A.
Other names: short protein forms R3000*.
Identifiers: ClinVar variation 188388 (VCV000188388.15), dbSNP rs769054713, ClinGen allele CA334769.

ClinVar aggregate classification (germline): Pathogenic/Likely pathogenic. Review status: criteria provided, multiple submitters, no conflicts (2 of 4 stars). 6 submissions from 6 submitters: Pathogenic (3); Likely pathogenic (2). 1 of the submissions does not count toward it. Last evaluated 2025-05-15.

Conditions:
DNAH5-related disorder. Also called: DNAH5-related condition.
Primary ciliary dyskinesia. Also called: Ciliary dyskinesia. Identifiers: Orphanet 244, MedGen C0008780, MONDO:0016575, HP:0012265.
Primary ciliary dyskinesia 3. Identifiers: Orphanet 244, MedGen C1837618, MONDO:0012085, OMIM 608644.

Allele frequency attached by ClinVar (database versions not stated): gnomAD exomes 0.00001; ExAC 0.00001; gnomAD 0.00001; TOPMed 0.00001.
gnomAD v4.1: 10 of 1,613,202 alleles (0.00062%); highest among the groups gnomAD compares: East Asian, 0.0022%; no homozygotes.

Submissions (6):

Labcorp Genetics (formerly Invitae), Labcorp
Classification: Pathogenic for Primary ciliary dyskinesia. Last evaluated: 2025-05-15. Review status: criteria provided, single submitter. Criteria: Invitae Variant Classification Sherloc (09022015). Collection method: clinical testing. Allele origin: germline.
Comment: This sequence change creates a premature translational stop signal (p.Arg3000*) in the DNAH5 gene. It is expected to result in an absent or disrupted protein product. Loss-of-function variants in DNAH5 are known to be pathogenic (PMID: 11788826, 16627867). This variant is present in population databases (rs769054713, gnomAD 0.006%). This premature translational stop signal has been observed in individual(s) with clinical features of primary ciliary dyskinesia and/or primary ciliary dyskinesia (PMID: 22416021; internal data). In at least one individual the data is consistent with being in trans (on the opposite chromosome) from a pathogenic variant. ClinVar contains an entry for this variant (Variation ID: 188388). For these reasons, this variant has been classified as Pathogenic.

Natera, Inc.
Classification: Likely pathogenic for Primary ciliary dyskinesia. Last evaluated: 2024-10-12. Review status: criteria provided, single submitter. Criteria: Natera Variant Classification Schema (03/2026). Collection method: clinical testing. Allele origin: germline.
Comment: The c.8998C>T variant in DNAH5 is a nonsense variant predicted to introduce a stop codon at amino acid 3000. This variant is expected to result in nonsense mediated decay, truncation, or a dysfunctional protein product. This variant is rare in the general population with a frequency below the threshold expected for the associated phenotype(s). Given the available evidence, this variant is classified as Likely Pathogenic.

Myriad Genetics, Inc.
Classification: Pathogenic for Primary ciliary dyskinesia 3. Last evaluated: 2024-05-14. Review status: criteria provided, single submitter. Criteria: Myriad Autosomal Dominant, Autosomal Recessive and X-Linked Classification Criteria (2023). Collection method: clinical testing. Allele origin: unknown.
Comment: NM_001369.2(DNAH5):c.8998C>T(R3000*) is expected to be pathogenic in the context of primary ciliary dyskinesia, DNAH5-related. This variant is predicted to lead to an abnormal or absent protein product due to the creation of a premature termination codon in DNAH5, a gene where loss-of-function variants are known to be pathogenic. Please note: this variant was assessed in the context of healthy population screening.

GeneDx
Classification: Likely pathogenic. Last evaluated: 2023-12-28. Review status: criteria provided, single submitter. Criteria: GeneDx Variant Classification Process June 2021. Collection method: clinical testing. Allele origin: germline.
Comment: Observed with another DNAH5 variant in a patient with PCD in published literature, but it is not known whether the variants occurred on the same (in cis) or on different (in trans) chromosomes (PMID: 22416021); Nonsense variant predicted to result in protein truncation or nonsense mediated decay in a gene for which loss of function is a known mechanism of disease; Not observed at significant frequency in large population cohorts (gnomAD); This variant is associated with the following publications: (PMID: 22416021)

Kariminejad - Najmabadi Pathology & Genetics Center
Classification: Pathogenic for Primary ciliary dyskinesia 3. Review status: criteria provided, single submitter. Criteria: ACMG Guidelines, 2015. Collection method: clinical testing. Allele origin: germline. Affected: no.

PreventionGenetics, part of Exact Sciences
Classification: Pathogenic for DNAH5-related condition. Last evaluated: 2024-08-05. Review status: no assertion criteria provided. Collection method: clinical testing. Allele origin: germline. Not counted in ClinVar's aggregate classification.
Comment: The DNAH5 c.8998C>T variant is predicted to result in premature protein termination (p.Arg3000*). This variant was reported in an individual with primary ciliary dyskinesia (Djakow et al. 2012. PubMed ID: 22416021). This variant is reported in 0.0054% of alleles in individuals of East Asian descent in gnomAD and is interpreted as pathogenic/likely pathogenic in ClinVar. Loss-of-function variants in DNAH5 are expected to be pathogenic (Olbrich et al. 2002. PubMed ID: 11788826; Hornef et al. 2006. PubMed ID: 16627867). This variant is interpreted as pathogenic.

Literature cited by the submitters: PubMed 11788826 (cited by Labcorp Genetics (formerly Invitae), Labcorp); PubMed 16627867 (cited by Labcorp Genetics (formerly Invitae), Labcorp); PubMed 22416021 (cited by Labcorp Genetics (formerly Invitae), Labcorp).